The following is an entry in ClinVar:

ClinVar aggregate classification (germline): Uncertain significance (1 of 4 stars; one submission).

Conditions:
Alstrom syndrome (ALMS). Identifiers: Orphanet 64, MedGen C0268425, MONDO:0008763, OMIM 203800.

Submission:

Labcorp Genetics (formerly Invitae), Labcorp
Classification: Uncertain significance for Alstrom syndrome. Last evaluated: 2026-01-13. Review status: criteria provided, single submitter. Criteria: Invitae Variant Classification Sherloc (09022015). Collection method: clinical testing. Allele origin: germline.
Comment: This sequence change replaces isoleucine, which is neutral and non-polar, with valine, which is neutral and non-polar, at codon 3641 of the ALMS1 protein (p.Ile3641Val). This variant is not present in population databases (gnomAD no frequency). This variant has not been reported in the literature in individuals affected with ALMS1-related conditions. ClinVar contains an entry for this variant (Variation ID: 1897148). Experimental studies and prediction algorithms are not available or were not evaluated, and the functional significance of this variant is currently unknown. In summary, the available evidence is currently insufficient to determine the role of this variant in disease. Therefore, it has been classified as a Variant of Uncertain Significance.

NM_001378454.1(ALMS1):c.10918A>G (p.Ile3640Val)

Gene: ALMS1 (ALMS1 centrosome and basal body associated protein; plus strand). Cytogenetic location: 2p13.1.
Variant type: single nucleotide variant.
Coding change: c.10918A>G on transcript NM_001378454.1 (MANE Select); coding-DNA position 10918, A replaced by G.
Protein change: p.Ile3640Val; replaces isoleucine 3640 with valine.
Molecular consequence: missense variant.
Genome position (GRCh38, 1-based): chr2:73,572,795, A>G. VCF-style: chr2-73572795-A-G. GRCh37 (hg19) VCF-style: chr2-73799922-A-G.
Other names: c.10921A>G, p.Ile3641Val (NM_015120.4); short protein forms I3640V, I3641V.
Identifiers: ClinVar variation 1897148 (VCV001897148.3), dbSNP rs2466445266, ClinGen allele CA347286183.